The following is an entry in ClinVar:

NM_032380.5(GFM2):c.1220+3A>G

Gene: GFM2 (GTP dependent ribosome recycling factor mitochondrial 2; minus strand). Cytogenetic location: 5q13.3.
Variant type: single nucleotide variant.
Coding change: c.1220+3A>G on transcript NM_032380.5 (MANE Select); 3 bases into the intron after coding-DNA position 1220, A replaced by G.
Molecular consequence: intron variant.
Genome position (GRCh38, 1-based): chr5:74,738,499, T>C on the plus strand (A>G on the coding strand, the complement: GFM2 is on the minus strand). VCF-style: chr5-74738499-T-C. GRCh37 (hg19) VCF-style: chr5-74034324-T-C.
Other names: c.1080-82A>G (NM_170691.3); c.1316+3A>G (NM_001281302.2); c.1220+3A>G (NM_170681.3).
Identifiers: ClinVar variation 3013648 (VCV003013648.3), dbSNP rs1561244911, ClinGen allele CA560766264.

ClinVar aggregate classification (germline): Uncertain significance (1 of 4 stars; one submission).

Allele frequency attached by ClinVar (database versions not stated): TOPMed 0.00002; gnomAD exomes 0.00004.
gnomAD v4.1: 52 of 1,612,120 alleles (0.0032%); highest among the groups gnomAD compares: Non-Finnish European, 0.0042%; no homozygotes.

Submission:

Labcorp Genetics (formerly Invitae), Labcorp
Classification: Uncertain significance. Last evaluated: 2024-01-03. Review status: criteria provided, single submitter. Criteria: Invitae Variant Classification Sherloc (09022015). Collection method: clinical testing. Allele origin: germline.
Comment: This sequence change falls in intron 13 of the GFM2 gene. It does not directly change the encoded amino acid sequence of the GFM2 protein. It affects a nucleotide within the consensus splice site. This variant is present in population databases (no rsID available, gnomAD 0.002%). This variant has not been reported in the literature in individuals affected with GFM2-related conditions. Variants that disrupt the consensus splice site are a relatively common cause of aberrant splicing (PMID: 17576681, 9536098). Algorithms developed to predict the effect of sequence changes on RNA splicing suggest that this variant is not likely to affect RNA splicing. In summary, the available evidence is currently insufficient to determine the role of this variant in disease. Therefore, it has been classified as a Variant of Uncertain Significance.

Literature cited by the submitters: PubMed 17576681; PubMed 9536098.